The following is an entry in ClinVar:

NM_024598.4(USB1):c.389G>A (p.Arg130His)

Gene: USB1 (U6 snRNA biogenesis phosphodiesterase 1; plus strand). Cytogenetic location: 16q21.
Variant type: single nucleotide variant.
Coding change: c.389G>A on transcript NM_024598.4 (MANE Select); coding-DNA position 389, G replaced by A.
Protein change: p.Arg130His; replaces arginine 130 with histidine.
Molecular consequence: missense variant.
Genome position (GRCh38, 1-based): chr16:58,010,052, G>A. VCF-style: chr16-58010052-G-A. GRCh37 (hg19) VCF-style: chr16-58043956-G-A.
Other names: c.389G>A, p.Arg130His (NM_001195302.2, NM_001204911.2, NM_001330569.2); c.236G>A, p.Arg79His (NM_001330568.2); short protein forms R79H, R130H.
Identifiers: ClinVar variation 3466484 (VCV003466484.2).

ClinVar aggregate classification (germline): Uncertain significance. Review status: criteria provided, multiple submitters, no conflicts (2 of 4 stars). 2 submissions from 2 submitters: Uncertain significance (2). Last evaluated 2024-11-30.

Conditions:
Inborn genetic diseases. Identifiers: MedGen C0950123, MeSH D030342.

gnomAD v4.1: 10 of 1,613,952 alleles (0.00062%); highest among the groups gnomAD compares: Middle Eastern, 0.016%; no homozygotes.

Submissions (2):

Ambry Genetics
Classification: Uncertain significance for Inborn genetic diseases. Last evaluated: 2024-11-30. Review status: criteria provided, single submitter. Criteria: Ambry Variant Classification Scheme 2023. Collection method: clinical testing. Allele origin: germline.
Comment: The p.R130H variant (also known as c.389G>A), located in coding exon 3 of the USB1 gene, results from a G to A substitution at nucleotide position 389. The arginine at codon 130 is replaced by histidine, an amino acid with highly similar properties. This amino acid position is conserved. In addition, this alteration is predicted to be deleterious by in silico analysis. Based on the available evidence, the clinical significance of this variant remains unclear.

Labcorp Genetics (formerly Invitae), Labcorp
Classification: Uncertain significance. Last evaluated: 2024-09-14. Review status: criteria provided, single submitter. Criteria: Invitae Variant Classification Sherloc (09022015). Collection method: clinical testing. Allele origin: germline.
Comment: This sequence change replaces arginine, which is basic and polar, with histidine, which is basic and polar, at codon 130 of the USB1 protein (p.Arg130His). This variant is present in population databases (rs199886884, gnomAD 0.007%). This variant has not been reported in the literature in individuals affected with USB1-related conditions. Invitae Evidence Modeling of protein sequence and biophysical properties (such as structural, functional, and spatial information, amino acid conservation, physicochemical variation, residue mobility, and thermodynamic stability) indicates that this missense variant is not expected to disrupt USB1 protein function with a negative predictive value of 80%. In summary, the available evidence is currently insufficient to determine the role of this variant in disease. Therefore, it has been classified as a Variant of Uncertain Significance.